The following is an entry in ClinVar:

ClinVar aggregate classification (germline): Uncertain significance (1 of 4 stars; one submission).

Allele frequency attached by ClinVar (database versions not stated): gnomAD exomes below 0.00001.
gnomAD v4.1: 2 of 1,614,112 alleles (0.00012%); highest among the groups gnomAD compares: Non-Finnish European, 0.00017%; no homozygotes.

Submission:

Labcorp Genetics (formerly Invitae), Labcorp
Classification: Uncertain significance. Last evaluated: 2022-03-10. Review status: criteria provided, single submitter. Criteria: Invitae Variant Classification Sherloc (09022015). Collection method: clinical testing. Allele origin: germline.
Comment: In summary, the available evidence is currently insufficient to determine the role of this variant in disease. Therefore, it has been classified as a Variant of Uncertain Significance. Advanced modeling of protein sequence and biophysical properties (such as structural, functional, and spatial information, amino acid conservation, physicochemical variation, residue mobility, and thermodynamic stability) performed at Invitae indicates that this missense variant is expected to disrupt ABCA4 protein function. This variant has not been reported in the literature in individuals affected with ABCA4-related conditions. This variant is not present in population databases (gnomAD no frequency). This sequence change replaces glycine, which is neutral and non-polar, with arginine, which is basic and polar, at codon 803 of the ABCA4 protein (p.Gly803Arg).

NM_000350.3(ABCA4):c.2407G>C (p.Gly803Arg)

Gene: ABCA4 (ATP binding cassette subfamily A member 4; minus strand). Cytogenetic location: 1p22.1.
Variant type: single nucleotide variant.
Coding change: c.2407G>C on transcript NM_000350.3 (MANE Select); coding-DNA position 2407, G replaced by C.
Protein change: p.Gly803Arg; replaces glycine 803 with arginine.
Molecular consequence: missense variant.
Genome position (GRCh38, 1-based): chr1:94,055,291, C>G on the plus strand (G>C on the coding strand, the complement: ABCA4 is on the minus strand). VCF-style: chr1-94055291-C-G. GRCh37 (hg19) VCF-style: chr1-94520847-C-G.
Other names: c.2185G>C, p.Gly729Arg (NM_001425324.1); short protein forms G803R, G729R.
Identifiers: ClinVar variation 1450325 (VCV001450325.8), dbSNP rs1660945050, ClinGen allele CA341277155.